The following is an entry in ClinVar:

ClinVar aggregate classification (germline): Benign/Likely benign. Review status: criteria provided, multiple submitters, no conflicts (2 of 4 stars). 5 submissions from 5 submitters: Benign (3); Likely benign (1). 1 of the submissions does not count toward it. Last evaluated 2026-02-01.

Conditions:
Distal Renal Tubular Acidosis, Recessive.
Autosomal recessive distal renal tubular acidosis. Identifiers: Orphanet 402041, MedGen C1864498, MONDO:0018440.

Allele frequency attached by ClinVar (database versions not stated): gnomAD exomes 0.00236 and 0.00131; ExAC 0.00271; gnomAD 0.00048 and 0.00084; TOPMed 0.00077; 1000 Genomes Project 30x 0.00219; ESP Exome Variant Server 0.00015; 1000 Genomes Project 0.00280.
gnomAD v4.1: 2,041 of 1,614,146 alleles (0.13%); highest among the groups gnomAD compares: South Asian, 1.6%; 37 homozygotes.

Submissions (5):

Labcorp Genetics (formerly Invitae), Labcorp
Classification: Benign. Last evaluated: 2026-02-01. Review status: criteria provided, single submitter. Criteria: Invitae Variant Classification Sherloc (09022015). Collection method: clinical testing. Allele origin: germline.

Women's Health and Genetics/Laboratory Corporation of America, LabCorp
Classification: Benign. Last evaluated: 2023-12-08. Review status: criteria provided, single submitter. Criteria: LabCorp Variant Classification Summary - May 2015. Collection method: clinical testing. Allele origin: germline.
Comment: Variant summary: ATP6V0A4 c.1498A>G (p.Ser500Gly) results in a non-conservative amino acid change in the encoded protein sequence. Four of five in-silico tools predict a benign effect of the variant on protein function. The variant allele was found at a frequency of 0.0024 in 251360 control chromosomes, predominantly at a frequency of 0.016 within the South Asian subpopulation in the gnomAD database, including 13 homozygotes. The observed variant frequency within South Asian control individuals in the gnomAD database is approximately 14.31 fold of the estimated maximal expected allele frequency for a pathogenic variant in ATP6V0A4 causing Renal Tubular Acidosis, Distal, Autosomal Recessive phenotype (0.0011), strongly suggesting that the variant is a benign polymorphism found primarily in populations of South Asian origin. c.1498A>G has been reported in the literature in a homozygous individual affected with hypophosphatemic rickets including renal tubular dysfunction, without evidence of co-segregation (e.g. Marik_2022). These report(s) do not provide unequivocal conclusions about association of the variant with Renal Tubular Acidosis, Distal, Autosomal Recessive. To our knowledge, no experimental evidence demonstrating an impact on protein function has been reported. The following publication has been ascertained in the context of this evaluation (PMID: 35738466). Four submitters have cited clinical-significance assessments for this variant to ClinVar after 2014, classifying the variant as benign (n=2), likely benign (n=1), or likely pathogenic (n=1). Based on the evidence outlined above, the variant was classified as likely benign.

GeneDx
Classification: Likely benign. Last evaluated: 2021-03-28. Review status: criteria provided, single submitter. Criteria: GeneDx Variant Classification Process June 2021. Collection method: clinical testing. Allele origin: germline. Affected: yes.
Comment: See Variant Classification Assertion Criteria.

Illumina Laboratory Services, Illumina
Classification: Benign for Renal tubular acidosis, distal, 3, with or without sensorineural hearing loss. Last evaluated: 2018-01-13. Review status: criteria provided, single submitter. Criteria: ICSL Variant Classification Criteria 13 December 2019. Collection method: clinical testing. Allele origin: germline.
Comment: This variant was observed in the ICSL laboratory as part of a predisposition screen in an ostensibly healthy population. It had not been previously curated by ICSL or reported in the Human Gene Mutation Database (HGMD: prior to June 1st, 2018), and was therefore a candidate for classification through an automated scoring system. Utilizing variant allele frequency, disease prevalence and penetrance estimates, and inheritance mode, an automated score was calculated to assess if this variant is too frequent to cause the disease. Based on the score and internal cut-off values, a variant classified as benign is not then subjected to further curation. The score for this variant resulted in a classification of benign for this disease.

Laboratory of Cyto-molecular Genetics, Department of Anatomy, All India Institute of Medical Sciences (AIIMS), New Delhi
Classification: Likely pathogenic. Last evaluated: 2022-03-07. Review status: flagged submission. Criteria: ACMG Guidelines, 2015. Collection method: clinical testing. Allele origin: germline. Affected: yes. Observed: 3 variant alleles. Not counted in ClinVar's aggregate classification.
Comment: p.(Ser500Gly), missense variant
ClinVar note: Reason: Outlier claim with insufficient supporting evidence

Literature cited by the submitters: PubMed 35738466 (cited by Women's Health and Genetics/Laboratory Corporation of America, LabCorp and Laboratory of Cyto-molecular Genetics, Department of Anatomy, All India Institute of Medical Sciences (AIIMS), New Delhi).

NM_020632.3(ATP6V0A4):c.1498A>G (p.Ser500Gly)

Gene: ATP6V0A4 (ATPase H+ transporting V0 subunit a4; minus strand). Cytogenetic location: 7q34.
Variant type: single nucleotide variant.
Coding change: c.1498A>G on transcript NM_020632.3 (MANE Select); coding-DNA position 1498, A replaced by G.
Protein change: p.Ser500Gly; replaces serine 500 with glycine.
Molecular consequence: missense variant.
Genome position (GRCh38, 1-based): chr7:138,739,614, T>C on the plus strand (A>G on the coding strand, the complement: ATP6V0A4 is on the minus strand). VCF-style: chr7-138739614-T-C. GRCh37 (hg19) VCF-style: chr7-138424359-T-C.
Other names: c.1498A>G, p.Ser500Gly (NM_130840.3, NM_130841.3); short protein forms S500G.
Identifiers: ClinVar variation 359016 (VCV000359016.19), dbSNP rs142818468, ClinGen allele CA4504744.
Genomic context (GRCh38, chr7:138,739,614, plus strand): 5'-ACGGGTATGGATTTCCAAAATACACTCCTGGTATGGCTGGGTCCAGCTGCAGATATAGAC[T>C]TTCCTCCATTACATGAGTACTTTAGAGGGAGAAAAGGAGAAAAACAAACAATGATCAACC-3'
Protein context (NP_065683.2, residues 490-510): GTWNTHVMEE[Ser500Gly]LYLQLDPAIP